The following is an entry in ClinVar:

NM_002519.3(NPAT):c.2890C>A (p.Pro964Thr)

Gene: NPAT (nuclear protein, coactivator of histone transcription; minus strand). Cytogenetic location: 11q22.3.
Variant type: single nucleotide variant.
Coding change: c.2890C>A on transcript NM_002519.3 (MANE Select); coding-DNA position 2890, C replaced by A.
Protein change: p.Pro964Thr; replaces proline 964 with threonine.
Molecular consequence: missense variant.
Genome position (GRCh38, 1-based): chr11:108,169,939, G>T on the plus strand (C>A on the coding strand, the complement: NPAT is on the minus strand). VCF-style: chr11-108169939-G-T. GRCh37 (hg19) VCF-style: chr11-108040666-G-T.
Other names: c.2890C>A, p.Pro964Thr (NM_001321307.1); short protein forms P964T.
Identifiers: ClinVar variation 1797300 (VCV001797300.2), dbSNP rs780855464, ClinGen allele CA382512014.

ClinVar aggregate classification (germline): Uncertain significance (1 of 4 stars; one submission).

gnomAD v4.1: 1 of 1,613,000 alleles (0.000062%); no homozygotes.

Submission:

Ambry Genetics
Classification: Uncertain significance. Last evaluated: 2022-09-09. Review status: criteria provided, single submitter. Criteria: Ambry Variant Classification Scheme 2023. Collection method: clinical testing. Allele origin: germline.
Comment: The p.P964T variant (also known as c.2890C>A), located in coding exon 14 of the NPAT gene, results from a C to A substitution at nucleotide position 2890. The proline at codon 964 is replaced by threonine, an amino acid with highly similar properties. This amino acid position is conserved. In addition, this alteration is predicted to be tolerated by in silico analysis. Since supporting evidence is limited at this time, the clinical significance of this alteration remains unclear.